The following is an entry in ClinVar:

NM_001164508.2(NEB):c.9389G>A (p.Arg3130Gln)

Gene: NEB (nebulin; minus strand). Cytogenetic location: 2q23.3.
Variant type: single nucleotide variant.
Coding change: c.9389G>A on transcript NM_001164508.2 (MANE Select); coding-DNA position 9389, G replaced by A.
Protein change: p.Arg3130Gln; replaces arginine 3130 with glutamine.
Molecular consequence: missense variant. On other transcripts: intron variant (1).
Genome position (GRCh38, 1-based): chr2:151,633,679, C>T on the plus strand (G>A on the coding strand, the complement: NEB is on the minus strand). VCF-style: chr2-151633679-C-T. GRCh37 (hg19) VCF-style: chr2-152490193-C-T.
Other names: c.9389G>A, p.Arg3130Gln (NM_001164507.2, NM_001271208.2); c.8854-2501G>A (NM_004543.5); short protein forms R3130Q.
Identifiers: ClinVar variation 2045534 (VCV002045534.4), dbSNP rs530692325, ClinGen allele CA1909335.

ClinVar aggregate classification (germline): Uncertain significance. Review status: criteria provided, multiple submitters, no conflicts (2 of 4 stars). 2 submissions from 2 submitters: Uncertain significance (2). Last evaluated 2022-07-11.

Conditions:
Nemaline myopathy 2 (NEM2). Also called: Nemaline myopathy 2, autosomal recessive. Identifiers: MedGen C1850569, MONDO:0009725, OMIM 256030.

Allele frequency attached by ClinVar (database versions not stated): gnomAD 0.00003; TOPMed 0.00003; 1000 Genomes Project 30x 0.00016; 1000 Genomes Project 0.00020.
gnomAD v4.1: 46 of 1,613,220 alleles (0.0029%); highest among the groups gnomAD compares: South Asian, 0.036%; no homozygotes.

Submissions (2):

Labcorp Genetics (formerly Invitae), Labcorp
Classification: Uncertain significance for Nemaline myopathy 2. Last evaluated: 2022-07-11. Review status: criteria provided, single submitter. Criteria: Invitae Variant Classification Sherloc (09022015). Collection method: clinical testing. Allele origin: germline.
Comment: This sequence change replaces arginine, which is basic and polar, with glutamine, which is neutral and polar, at codon 3130 of the NEB protein (p.Arg3130Gln). This variant is present in population databases (rs530692325, gnomAD 0.03%). This variant has not been reported in the literature in individuals affected with NEB-related conditions. Algorithms developed to predict the effect of missense changes on protein structure and function are either unavailable or do not agree on the potential impact of this missense change (SIFT: "Deleterious"; PolyPhen-2: "Not Available"; Align-GVGD: "Class C0"). Algorithms developed to predict the effect of sequence changes on RNA splicing suggest that this variant may create or strengthen a splice site. In summary, the available evidence is currently insufficient to determine the role of this variant in disease. Therefore, it has been classified as a Variant of Uncertain Significance.

Revvity Omics, Revvity
Classification: Uncertain significance. Last evaluated: 2020-04-14. Review status: criteria provided, single submitter. Criteria: ACMG Guidelines, 2015. Collection method: clinical testing. Allele origin: germline.